The following is an entry in ClinVar:

NM_001035.3(RYR2):c.3115G>T (p.Asp1039Tyr)

Gene: RYR2 (ryanodine receptor 2; plus strand). Cytogenetic location: 1q43.
Variant type: single nucleotide variant.
Coding change: c.3115G>T on transcript NM_001035.3 (MANE Select); coding-DNA position 3115, G replaced by T.
Protein change: p.Asp1039Tyr; replaces aspartic acid 1039 with tyrosine.
Molecular consequence: missense variant.
Genome position (GRCh38, 1-based): chr1:237,550,592, G>T. VCF-style: chr1-237550592-G-T. GRCh37 (hg19) VCF-style: chr1-237713892-G-T.
Other names: short protein forms D1039Y.
Identifiers: ClinVar variation 921565 (VCV000921565.4), dbSNP rs1670289173, ClinGen allele CA345394695.

ClinVar aggregate classification (germline): Uncertain significance (1 of 4 stars; one submission).

Conditions:
Cardiomyopathy (CMYO). Also called: Cardiomyopathies. Identifiers: Orphanet 167848, MedGen C0878544, MONDO:0004994, HP:0001638. Inheritance: Various modes of inheritance.

Allele frequency attached by ClinVar (database versions not stated): gnomAD exomes below 0.00001.
gnomAD v4.1: 1 of 1,606,188 alleles (0.000062%); highest among the groups gnomAD compares: South Asian, 0.0011%; no homozygotes.

Submission:

Color Diagnostics, LLC DBA Color Health
Classification: Uncertain significance for Cardiomyopathy. Last evaluated: 2024-03-07. Review status: criteria provided, single submitter. Criteria: ACMG Guidelines, 2015. Collection method: clinical testing. Allele origin: germline.
Comment: This missense variant replaces aspartic acid with tyrosine at codon 1039 of the RYR2 protein. Computational prediction suggests that this variant may have deleterious impact on protein structure and function (internally defined REVEL score threshold >= 0.7, PMID: 27666373). To our knowledge, functional studies have not been reported for this variant. This variant has not been reported in individuals affected with cardiovascular disorders in the literature. This variant has not been identified in the general population by the Genome Aggregation Database (gnomAD). The available evidence is insufficient to determine the role of this variant in disease conclusively. Therefore, this variant is classified as a Variant of Uncertain Significance.